The following is an entry in ClinVar:

ClinVar aggregate classification (germline): Benign/Likely benign. Review status: criteria provided, multiple submitters, no conflicts (2 of 4 stars). 2 submissions from 2 submitters: Benign (1); Likely benign (1). Last evaluated 2026-06-24.

Conditions:
Retinoblastoma (RB1). Also called: RETINOBLASTOMA, SOMATIC. Identifiers: Orphanet 790, MedGen C0035335, MeSH D012175, MONDO:0008380, OMIM 180200, HP:0009919. Disease mechanism: loss of function. Inheritance: Both sporadic and heritable forms are tested..
Hereditary cancer-predisposing syndrome. Also called: Neoplastic Syndromes, Hereditary; Tumor predisposition; Hereditary neoplastic syndrome; Hereditary Cancer Syndrome. Identifiers: Orphanet 140162, MedGen C0027672, MeSH D009386, MONDO:0015356.

Allele frequency attached by ClinVar (database versions not stated): TOPMed 0.00001.

Submissions (2):

Myriad Genetics, Inc.
Classification: Benign for Retinoblastoma. Last evaluated: 2026-06-24. Review status: criteria provided, single submitter. Criteria: Myriad Autosomal Dominant, Autosomal Recessive and X-Linked Classification Criteria (2023). Collection method: clinical testing. Allele origin: unknown.
Comment: This variant is considered benign. This variant is a silent/synonymous amino acid change and it is not expected to impact splicing.

Ambry Genetics
Classification: Likely benign for Hereditary cancer-predisposing syndrome. Last evaluated: 2021-03-28. Review status: criteria provided, single submitter. Criteria: Ambry Variant Classification Scheme 2023. Collection method: clinical testing. Allele origin: germline.

NM_000321.3(RB1):c.909T>G (p.Leu303=)

Gene: RB1 (RB transcriptional corepressor 1; plus strand). Cytogenetic location: 13q14.2.
Variant type: single nucleotide variant.
Coding change: c.909T>G on transcript NM_000321.3 (MANE Select); coding-DNA position 909, T replaced by G.
Protein change: p.Leu303=; no amino-acid change (leucine 303 retained).
Molecular consequence: synonymous variant.
Genome position (GRCh38, 1-based): chr13:48,364,941, T>G. VCF-style: chr13-48364941-T-G. GRCh37 (hg19) VCF-style: chr13-48939077-T-G.
Other names: c.909T>G, p.Leu303= (NM_001407165.1, NM_001407166.1).
Identifiers: ClinVar variation 1765777 (VCV001765777.3), dbSNP rs1188673891, ClinGen allele CA483558041.
Genomic context (GRCh38, chr13:48,364,941, plus strand): 5'-TCATCTTTTTCAGGTGAAAAATGTTTATTTCAAAAATTTTATACCTTTTATGAATTCTCT[T>G]GGACTTGTAACATCTAATGGACTTCCAGAGGTAATCTGAAAGGAAATTTAATAAAATATT-3'
Protein context (NP_000312.2, residues 293-313): FKNFIPFMNS[Leu303=]GLVTSNGLPE